The following is an entry in ClinVar:

NM_001845.6(COL4A1):c.903+6T>C

Gene: COL4A1 (collagen type IV alpha 1 chain; minus strand). Cytogenetic location: 13q34.
Variant type: single nucleotide variant.
Coding change: c.903+6T>C on transcript NM_001845.6 (MANE Select); 6 bases into the intron after coding-DNA position 903, T replaced by C.
Molecular consequence: intron variant.
Genome position (GRCh38, 1-based): chr13:110,205,488, A>G on the plus strand (T>C on the coding strand, the complement: COL4A1 is on the minus strand). VCF-style: chr13-110205488-A-G. GRCh37 (hg19) VCF-style: chr13-110857835-A-G.
Other names: c.903+6T>C (NM_001303110.2).
Identifiers: ClinVar variation 3052301 (VCV003052301.2), dbSNP rs750862120, ClinGen allele CA2623681475.

ClinVar aggregate classification (germline): Likely benign (0 of 4 stars; one submission).

Conditions:
COL4A1-related disorder. Also called: COL4A1-related disorders; COL4A1-related condition. Identifiers: MedGen CN376119, MONDO:0800461.

Allele frequency attached by ClinVar (database versions not stated): gnomAD exomes below 0.00001.
gnomAD v4.1: 2 of 1,606,824 alleles (0.00012%); highest among the groups gnomAD compares: Non-Finnish European, 0.00017%; no homozygotes.

Submission:

PreventionGenetics, part of Exact Sciences
Classification: Likely benign for COL4A1-related condition. Last evaluated: 2023-11-03. Review status: no assertion criteria provided. Collection method: clinical testing. Allele origin: germline.
Comment: This variant is classified as likely benign based on ACMG/AMP sequence variant interpretation guidelines (Richards et al. 2015 PMID: 25741868, with internal and published modifications).